The following is an entry in ClinVar:

NM_001430.5(EPAS1):c.1893G>T (p.Met631Ile)

Gene: EPAS1 (endothelial PAS domain protein 1; plus strand). Cytogenetic location: 2p21.
Variant type: single nucleotide variant.
Coding change: c.1893G>T on transcript NM_001430.5 (MANE Select); coding-DNA position 1893, G replaced by T.
Protein change: p.Met631Ile; replaces methionine 631 with isoleucine.
Molecular consequence: missense variant.
Genome position (GRCh38, 1-based): chr2:46,380,565, G>T. VCF-style: chr2-46380565-G-T. GRCh37 (hg19) VCF-style: chr2-46607704-G-T.
Other names: short protein forms M631I.
Identifiers: ClinVar variation 2450331 (VCV002450331.2), dbSNP rs1175832911, ClinGen allele CA346705097.
Genomic context (GRCh38, chr2:46,380,565, plus strand): 5'-CGGAAGCAAAGCATCCCTGCCACCGTGCTGTGGCCAGGCCAGCACCCCTCTCTCTTCCAT[G>T]GGGGGCAGATCCAATACCCAGTGGCCCCCAGATCCACCATTACATTTTGGGCCCACAAAG-3'
Protein context (NP_001421.2, residues 621-641): CGQASTPLSS[Met631Ile]GGRSNTQWPP

ClinVar aggregate classification (germline): Uncertain significance (1 of 4 stars; one submission).

Conditions:
Inborn genetic diseases. Identifiers: MedGen C0950123, MeSH D030342.

Allele frequency attached by ClinVar (database versions not stated): gnomAD exomes below 0.00001.
gnomAD v4.1: 1 of 1,614,050 alleles (0.000062%); highest among the groups gnomAD compares: South Asian, 0.0011%; no homozygotes.

Submission:

Ambry Genetics
Classification: Uncertain significance for Inborn genetic diseases. Last evaluated: 2023-03-08. Review status: criteria provided, single submitter. Criteria: Ambry Variant Classification Scheme 2023. Collection method: clinical testing. Allele origin: germline.
Comment: The p.M631I variant (also known as c.1893G>T), located in coding exon 12 of the EPAS1 gene, results from a G to T substitution at nucleotide position 1893. The methionine at codon 631 is replaced by isoleucine, an amino acid with highly similar properties. This amino acid position is conserved. In addition, this alteration is predicted to be tolerated by in silico analysis. Since supporting evidence is limited at this time, the clinical significance of this alteration remains unclear.